The following is an entry in ClinVar:

NM_018368.4(LMBRD1):c.947C>T (p.Ala316Val)

Gene: LMBRD1 (LMBR1 domain containing 1; minus strand). Cytogenetic location: 6q13.
Variant type: single nucleotide variant.
Coding change: c.947C>T on transcript NM_018368.4 (MANE Select); coding-DNA position 947, C replaced by T.
Protein change: p.Ala316Val; replaces alanine 316 with valine.
Molecular consequence: missense variant.
Genome position (GRCh38, 1-based): chr6:69,701,922, G>A on the plus strand (C>T on the coding strand, the complement: LMBRD1 is on the minus strand). VCF-style: chr6-69701922-G-A. GRCh37 (hg19) VCF-style: chr6-70411814-G-A.
Other names: c.728C>T, p.Ala243Val (NM_001363722.2, NM_001367271.1, NM_001367272.1); short protein forms A316V, A243V.
Identifiers: ClinVar variation 1517962 (VCV001517962.8), dbSNP rs2149845543, ClinGen allele CA364665196.
Genomic context (GRCh38, chr6:69,701,922, plus strand): 5'-TTTAGAAAATGTGTCTACTGTACTTACTTTGACAAGAAGAGAGAAATTACAAACAGCAAT[G>A]CAACTAAGATGAAAAATATTCCCCAGACGATCTAAAAGCAAAAATATATTCATTAAAATA-3'
Protein context (NP_060838.3, residues 306-326): IVWGIFFILV[Ala316Val]LLFVISLFLS

ClinVar aggregate classification (germline): Uncertain significance (1 of 4 stars; one submission).

Conditions:
Methylmalonic aciduria and homocystinuria type cblF. Also called: METHYLMALONIC ACIDEMIA AND HOMOCYSTINURIA, cblF TYPE; METHYLMALONIC ACIDURIA DUE TO VITAMIN B12-RELEASE DEFECT; VITAMIN B12 LYSOSOMAL RELEASE DEFECT; VITAMIN B12 STORAGE DISEASE; COBALAMIN F DISEASE; COBALAMIN, DEFECT IN LYSOSOMAL RELEASE OF. Identifiers: Orphanet 79284, MedGen C1848578, MONDO:0010183, OMIM 277380.

Submission:

Labcorp Genetics (formerly Invitae), Labcorp
Classification: Uncertain significance for Methylmalonic aciduria and homocystinuria type cblF. Last evaluated: 2022-03-02. Review status: criteria provided, single submitter. Criteria: Invitae Variant Classification Sherloc (09022015). Collection method: clinical testing. Allele origin: germline.
Comment: This variant has not been reported in the literature in individuals affected with LMBRD1-related conditions. In summary, the available evidence is currently insufficient to determine the role of this variant in disease. Therefore, it has been classified as a Variant of Uncertain Significance. Algorithms developed to predict the effect of missense changes on protein structure and function (SIFT, PolyPhen-2, Align-GVGD) all suggest that this variant is likely to be tolerated. This variant is not present in population databases (gnomAD no frequency). This sequence change replaces alanine, which is neutral and non-polar, with valine, which is neutral and non-polar, at codon 316 of the LMBRD1 protein (p.Ala316Val).